The following is an entry in ClinVar:

NM_020821.3(VPS13C):c.10029C>T (p.Ser3343=)

Gene: VPS13C (vacuolar protein sorting 13 homolog C; minus strand). Cytogenetic location: 15q22.2.
Variant type: single nucleotide variant.
Coding change: c.10029C>T on transcript NM_020821.3 (MANE Select); coding-DNA position 10029, C replaced by T.
Protein change: p.Ser3343=; no amino-acid change (serine 3343 retained).
Molecular consequence: synonymous variant.
Genome position (GRCh38, 1-based): chr15:61,878,720, G>A on the plus strand (C>T on the coding strand, the complement: VPS13C is on the minus strand). VCF-style: chr15-61878720-G-A. GRCh37 (hg19) VCF-style: chr15-62170919-G-A.
Other names: c.10029C>T (NM_020821.2); c.10029C>T, p.Ser3343= (NM_001018088.3); c.9900C>T, p.Ser3300= (NM_017684.5, NM_018080.4).
Identifiers: ClinVar variation 2199008 (VCV002199008.30), dbSNP rs148021100, ClinGen allele CA7594450.

ClinVar aggregate classification (germline): Likely benign. Review status: criteria provided, multiple submitters, no conflicts (2 of 4 stars). 4 submissions from 4 submitters: Likely benign (3). 1 of the submissions does not count toward it. Last evaluated 2025-10-10.

Conditions:
VPS13C-related disorder. Also called: VPS13C-related condition.

Allele frequency attached by ClinVar (database versions not stated): ExAC 0.00017; gnomAD 0.00027; ESP Exome Variant Server 0.00031; TOPMed 0.00034; gnomAD exomes 0.00050.
gnomAD v4.1: 749 of 1,607,620 alleles (0.047%); highest among the groups gnomAD compares: Non-Finnish European, 0.061%; 1 homozygote.

Submissions (4):

Labcorp Genetics (formerly Invitae), Labcorp
Classification: Likely benign. Last evaluated: 2025-10-10. Review status: criteria provided, single submitter. Criteria: Invitae Variant Classification Sherloc (09022015). Collection method: clinical testing. Allele origin: germline.

Blueprint Genetics
Classification: Likely benign. Last evaluated: 2024-09-11. Review status: criteria provided, single submitter. Criteria: ACMG Guidelines, 2015. Collection method: clinical testing. Allele origin: germline.

CeGaT Center for Human Genetics Tuebingen
Classification: Likely benign. Last evaluated: 2022-08-01. Review status: criteria provided, single submitter. Criteria: CeGaT Center For Human Genetics Tuebingen Variant Classification Criteria Version 2. Collection method: clinical testing. Allele origin: germline. Affected: yes. Observed: 1 variant allele.
Comment: VPS13C: BP4, BP7

PreventionGenetics, part of Exact Sciences
Classification: Likely benign for VPS13C-related condition. Last evaluated: 2019-09-05. Review status: no assertion criteria provided. Collection method: clinical testing. Allele origin: germline. Not counted in ClinVar's aggregate classification.
Comment: This variant is classified as likely benign based on ACMG/AMP sequence variant interpretation guidelines (Richards et al. 2015 PMID: 25741868, with internal and published modifications).